The following is an entry in ClinVar:

ClinVar aggregate classification (germline): Likely benign. Review status: criteria provided, single submitter (1 of 4 stars). 2 submissions from 2 submitters: Likely benign (1). 1 of the submissions does not count toward it. Last evaluated 2018-08-08.

Conditions:
PLXNA1-related disorder. Also called: PLXNA1-related condition.

gnomAD v4.1: 22 of 1,613,038 alleles (0.0014%); highest among the groups gnomAD compares: Middle Eastern, 0.016%; no homozygotes.

Submissions (2):

Blueprint Genetics
Classification: Likely benign. Last evaluated: 2018-08-08. Review status: criteria provided, single submitter. Criteria: ACMG Guidelines, 2015. Collection method: clinical testing. Allele origin: germline.

PreventionGenetics, part of Exact Sciences
Classification: Likely benign for PLXNA1-related condition. Last evaluated: 2021-06-26. Review status: no assertion criteria provided. Collection method: clinical testing. Allele origin: germline. Not counted in ClinVar's aggregate classification.
Comment: This variant is classified as likely benign based on ACMG/AMP sequence variant interpretation guidelines (Richards et al. 2015 PMID: 25741868, with internal and published modifications).

NM_032242.4(PLXNA1):c.4071G>A (p.Leu1357=)

Gene: PLXNA1 (plexin A1; plus strand). Cytogenetic location: 3q21.3.
Variant type: single nucleotide variant.
Coding change: c.4071G>A on transcript NM_032242.4 (MANE Select); coding-DNA position 4071, G replaced by A.
Protein change: p.Leu1357=; no amino-acid change (leucine 1357 retained).
Molecular consequence: synonymous variant.
Genome position (GRCh38, 1-based): chr3:127,022,117, G>A. VCF-style: chr3-127022117-G-A. GRCh37 (hg19) VCF-style: chr3-126740960-G-A.
Identifiers: ClinVar variation 3351615 (VCV003351615.2).
Genomic context (GRCh38, chr3:127,022,117, plus strand): 5'-GTGGTCTGAGCTCTGTGTGCTCCCTCAGGTGCAGGCCAATGTGGAGAAGTCGCTGACACT[G>A]TTCGGGCAGCTGCTGACCAAGAAGCACTTCCTGCTGACCTTCATCCGCACGCTGGAGGCA-3'
Protein context (NP_115618.3, residues 1347-1367): VQANVEKSLT[Leu1357=]FGQLLTKKHF